The following is an entry in ClinVar:

ClinVar aggregate classification (germline): Uncertain significance. Review status: criteria provided, multiple submitters, no conflicts (2 of 4 stars). 3 submissions from 3 submitters: Uncertain significance (2). 1 of the submissions does not count toward it. Last evaluated 2022-06-27.

Conditions:
Neuronal ceroid lipofuscinosis. Also called: Neuronal Ceroid Lipofuscinoses. Identifiers: Orphanet 216, Orphanet 79263, MedGen C0027877, MONDO:0016295. Disease mechanism: loss of function.

Allele frequency attached by ClinVar (database versions not stated): gnomAD exomes below 0.00001; TOPMed below 0.00001.
gnomAD v4.1: 1 of 1,613,912 alleles (0.000062%); highest among the groups gnomAD compares: Non-Finnish European, 0.000085%; no homozygotes.

Submissions (3):

Labcorp Genetics (formerly Invitae), Labcorp
Classification: Uncertain significance for Neuronal ceroid lipofuscinosis. Last evaluated: 2022-06-27. Review status: criteria provided, single submitter. Criteria: Invitae Variant Classification Sherloc (09022015). Collection method: clinical testing. Allele origin: germline.
Comment: This sequence change replaces valine, which is neutral and non-polar, with isoleucine, which is neutral and non-polar, at codon 231 of the CLN5 protein (p.Val231Ile). This variant is present in population databases (no rsID available, gnomAD 0.0009%). This variant has not been reported in the literature in individuals affected with CLN5-related conditions. ClinVar contains an entry for this variant (Variation ID: 421961). Algorithms developed to predict the effect of missense changes on protein structure and function (SIFT, PolyPhen-2, Align-GVGD) all suggest that this variant is likely to be tolerated. In summary, the available evidence is currently insufficient to determine the role of this variant in disease. Therefore, it has been classified as a Variant of Uncertain Significance.

GeneDx
Classification: Uncertain significance. Last evaluated: 2016-08-15. Review status: criteria provided, single submitter. Criteria: GeneDx Variant Classification (06012015). Collection method: clinical testing. Allele origin: germline. Affected: yes.
Comment: A variant of uncertain significance has been identified in the CLN5 gene. The V231I variant has not been published as a pathogenic variant, nor has it been reported as a benign variant to our knowledge. It was not observed in approximately 6,500 individuals of European and African American ancestry in the NHLBI Exome Sequencing Project, indicating it is not a common benign variant in these populations. The V231I variant is a conservative amino acid substitution, which is not likely to impact secondary protein structure as these residues share similar properties. This substitution occurs at a position that is not conserved. However, in silico analysis is inconsistent in its predictions as to whether or not the variant is damaging to the protein structure/function. Therefore, based on the currently available information, it is unclear whether this variant is a pathogenic variant or a rare benign variant.

Natera, Inc.
Classification: Uncertain significance for Neuronal ceroid lipofuscinosis. Last evaluated: 2021-07-29. Review status: no assertion criteria provided. Collection method: clinical testing. Allele origin: germline. Not counted in ClinVar's aggregate classification.

NM_006493.4(CLN5):c.544G>A (p.Val182Ile)

Gene: CLN5 (CLN5 lysosomal BMP synthase; plus strand). Cytogenetic location: 13q22.3.
Variant type: single nucleotide variant.
Coding change: c.544G>A on transcript NM_006493.4 (MANE Select); coding-DNA position 544, G replaced by A.
Protein change: p.Val182Ile; replaces valine 182 with isoleucine.
Molecular consequence: missense variant.
Genome position (GRCh38, 1-based): chr13:76,996,106, G>A. VCF-style: chr13-76996106-G-A. GRCh37 (hg19) VCF-style: chr13-77570241-G-A.
Other names: c.691G>A (LRG_692t1); c.544G>A, p.Val182Ile (NM_001366624.2); short protein forms V182I.
Identifiers: ClinVar variation 421961 (VCV000421961.5), dbSNP rs1064795474, ClinGen allele CA16619820.